The following is an entry in ClinVar:

ClinVar aggregate classification (germline): Uncertain significance (1 of 4 stars; one submission).

Conditions:
Hereditary pheochromocytoma and paraganglioma. Also called: Hereditary paragangliomas and pheochromocytomas; Hereditary Paraganglioma-Pheochromocytoma Syndromes; Hereditary pheochromocytoma-paraganglioma. Identifiers: Orphanet 29072, MedGen C4274332, MONDO:0017366.

Submission:

Labcorp Genetics (formerly Invitae), Labcorp
Classification: Uncertain significance for Hereditary pheochromocytoma and paraganglioma. Last evaluated: 2024-04-03. Review status: criteria provided, single submitter. Criteria: Invitae Variant Classification Sherloc (09022015). Collection method: clinical testing. Allele origin: germline.
Comment: This sequence change replaces serine, which is neutral and polar, with threonine, which is neutral and polar, at codon 74 of the SDHAF2 protein (p.Ser74Thr). This variant is not present in population databases (gnomAD no frequency). This variant has not been reported in the literature in individuals affected with SDHAF2-related conditions. An algorithm developed to predict the effect of missense changes on protein structure and function (PolyPhen-2) suggests that this variant is likely to be disruptive. In summary, the available evidence is currently insufficient to determine the role of this variant in disease. Therefore, it has been classified as a Variant of Uncertain Significance.

NM_017841.4(SDHAF2):c.221G>C (p.Ser74Thr)

Gene: SDHAF2 (succinate dehydrogenase complex assembly factor 2; plus strand). Cytogenetic location: 11q12.2.
Variant type: single nucleotide variant.
Coding change: c.221G>C on transcript NM_017841.4 (MANE Select); coding-DNA position 221, G replaced by C.
Protein change: p.Ser74Thr; replaces serine 74 with threonine.
Molecular consequence: missense variant.
Genome position (GRCh38, 1-based): chr11:61,437,809, G>C. VCF-style: chr11-61437809-G-C. GRCh37 (hg19) VCF-style: chr11-61205281-G-C.
Other names: short protein forms S74T.
Identifiers: ClinVar variation 3648741 (VCV003648741.2).
Genomic context (GRCh38, chr11:61,437,809, plus strand): 5'-CATGGCAGGAGAGAACTGATGAATCCATAGAAACCAAAAGAGCCCGCCTGCTCTATGAGA[G>C]CAGAAAGAGGGGAATGTTGGAAAACTGCATTCTTCTTAGGTATGGGACTAGGAGTCTTTT-3'
Protein context (NP_060311.1, residues 64-84): ETKRARLLYE[Ser74Thr]RKRGMLENCI